The following is an entry in ClinVar:

NM_032043.3(BRIP1):c.3595C>T (p.Leu1199=)

Gene: BRIP1 (BRCA1 interacting DNA helicase 1; minus strand). Cytogenetic location: 17q23.2.
Variant type: single nucleotide variant.
Coding change: c.3595C>T on transcript NM_032043.3 (MANE Select); coding-DNA position 3595, C replaced by T.
Protein change: p.Leu1199=; no amino-acid change (leucine 1199 retained).
Molecular consequence: synonymous variant.
Genome position (GRCh38, 1-based): chr17:61,683,451, G>A on the plus strand (C>T on the coding strand, the complement: BRIP1 is on the minus strand). VCF-style: chr17-61683451-G-A. GRCh37 (hg19) VCF-style: chr17-59760812-G-A.
Identifiers: ClinVar variation 793954 (VCV000793954.12), dbSNP rs876659839, ClinGen allele CA501335221.
Genomic context (GRCh38, chr17:61,683,451, plus strand): 5'-TTATCCAAGTTGTTTTTACATTACCATCAATGTCATCAATTTTACTTTCTTCAATATGCA[G>A]AATTCCATTCAACTTTGTATCTATGCAATCCTCAGCTTTCACTTCTCTGGCTGAATCTAC-3'
Protein context (NP_114432.2, residues 1189-1209): DCIDTKLNGI[Leu1199=]HIEESKIDDI

ClinVar aggregate classification (germline): Benign/Likely benign. Review status: criteria provided, multiple submitters, no conflicts (2 of 4 stars). 3 submissions from 3 submitters: Benign (1); Likely benign (2). Last evaluated 2024-09-10.

Conditions:
Familial cancer of breast. Also called: BREAST CANCER, FAMILIAL; Hereditary breast cancer; hereditary breast carcinoma. Identifiers: Orphanet 227535, MedGen C0346153, MONDO:0016419, OMIM 114480. Disease mechanism: loss of function.
Fanconi anemia complementation group J. Also called: BRIP1-Related Fanconi Anemia. Identifiers: Orphanet 84, MedGen C1836860, MONDO:0012187, OMIM 609054.
Hereditary cancer-predisposing syndrome. Also called: Neoplastic Syndromes, Hereditary; Hereditary Cancer Syndrome; Tumor predisposition; Hereditary neoplastic syndrome. Identifiers: Orphanet 140162, MedGen C0027672, MeSH D009386, MONDO:0015356.

Submissions (3):

Myriad Genetics, Inc.
Classification: Benign for Familial cancer of breast. Last evaluated: 2024-09-10. Review status: criteria provided, single submitter. Criteria: Myriad Autosomal Dominant, Autosomal Recessive and X-Linked Classification Criteria (2023). Collection method: clinical testing. Allele origin: unknown.
Comment: This variant is considered benign. This variant is a silent/synonymous amino acid change and it is not expected to impact splicing.

Ambry Genetics
Classification: Likely benign for Hereditary cancer-predisposing syndrome. Last evaluated: 2024-08-18. Review status: criteria provided, single submitter. Criteria: Ambry Variant Classification Scheme 2023. Collection method: clinical testing. Allele origin: germline.

Labcorp Genetics (formerly Invitae), Labcorp
Classification: Likely benign for Familial cancer of breast; Fanconi anemia complementation group J. Last evaluated: 2018-10-30. Review status: criteria provided, single submitter. Criteria: Invitae Variant Classification Sherloc (09022015). Collection method: clinical testing. Allele origin: germline.